The following is an entry in ClinVar:

NM_001364905.1(LRBA):c.3196A>G (p.Ile1066Val)

Gene: LRBA (LPS responsive beige-like anchor protein; minus strand). Cytogenetic location: 4q31.3.
Variant type: single nucleotide variant.
Coding change: c.3196A>G on transcript NM_001364905.1 (MANE Select); coding-DNA position 3196, A replaced by G.
Protein change: p.Ile1066Val; replaces isoleucine 1066 with valine.
Molecular consequence: missense variant.
Genome position (GRCh38, 1-based): chr4:150,852,514, T>C on the plus strand (A>G on the coding strand, the complement: LRBA is on the minus strand). VCF-style: chr4-150852514-T-C. GRCh37 (hg19) VCF-style: chr4-151773666-T-C.
Other names: c.3196A>G, p.Ile1066Val (NM_001199282.3, NM_001367550.1, NM_006726.5); short protein forms I1066V.
Identifiers: ClinVar variation 1879617 (VCV001879617.29), dbSNP rs1158192306, ClinGen allele CA358459321.

ClinVar aggregate classification (germline): Uncertain significance (1 of 4 stars; one submission).

Allele frequency attached by ClinVar (database versions not stated): gnomAD exomes below 0.00001.
gnomAD v4.1: 2 of 1,613,824 alleles (0.00012%); highest among the groups gnomAD compares: South Asian, 0.0011%; no homozygotes.

Submission:

CeGaT Center for Human Genetics Tuebingen
Classification: Uncertain significance. Last evaluated: 2022-10-01. Review status: criteria provided, single submitter. Criteria: CeGaT Center For Human Genetics Tuebingen Variant Classification Criteria Version 2. Collection method: clinical testing. Allele origin: germline. Affected: yes. Observed: 1 variant allele.
Comment: LRBA: PM2, BP4